The following is an entry in ClinVar:

ClinVar aggregate classification (germline): Pathogenic (1 of 4 stars; one submission).

Submission:

GeneDx
Classification: Pathogenic. Last evaluated: 2016-06-28. Review status: criteria provided, single submitter. Criteria: GeneDx Variant Classification (06012015). Collection method: clinical testing. Allele origin: germline. Affected: yes.
Comment: The R91X variant in the COL13A1 gene has not been reported previously as a pathogenic variant nor as a benign variant, to our knowledge. This variant is predicted to cause loss of normal protein function either through protein truncation or nonsense-mediated mRNA decay. The R91X variant was not observed in approximately 6200 individuals of European and African American ancestry in the NHLBI Exome Sequencing Project, indicating it is not a common benign variant in these populations. We interpret R91X as a pathogenic variant.

NM_001368882.1(COL13A1):c.271C>T (p.Arg91Ter)

Gene: COL13A1 (collagen type XIII alpha 1 chain; plus strand). Cytogenetic location: 10q22.1.
Variant type: single nucleotide variant.
Coding change: c.271C>T on transcript NM_001368882.1 (MANE Select); coding-DNA position 271, C replaced by T.
Protein change: p.Arg91Ter; replaces arginine 91 with a stop codon.
Molecular consequence: nonsense. On other transcripts: 5 prime UTR variant (1).
Genome position (GRCh38, 1-based): chr10:69,802,694, C>T. VCF-style: chr10-69802694-C-T. GRCh37 (hg19) VCF-style: chr10-71562450-C-T.
Other names: c.271C>T, p.Arg91Ter (NM_001130103.2, NM_001320951.2, NM_001368883.1 and 11 more transcripts); c.-383C>T (NM_001368886.1); short protein forms R91*.
Identifiers: ClinVar variation 280688 (VCV000280688.2), dbSNP rs769426298, ClinGen allele CA10603145.
Genomic context (GRCh38, chr10:69,802,694, plus strand): 5'-CGGGTGCTGCGCCTGGAAGCGGAGCGCGGGGAGCAGCAAATGGAGACGGCTATTTTGGGA[C>T]GAGTCAATCAACTGCTGGACGAGGTCTGTGCTCTTTGTTGCTGGCTTTTATCCCTCCCCG-3'